The following is an entry in ClinVar:

NM_207315.4(CMPK2):c.25C>A (p.Arg9Ser)

Gene: CMPK2 (cytidine/uridine monophosphate kinase 2; minus strand). Cytogenetic location: 2p25.2.
Variant type: single nucleotide variant.
Coding change: c.25C>A on transcript NM_207315.4 (MANE Select); coding-DNA position 25, C replaced by A.
Protein change: p.Arg9Ser; replaces arginine 9 with serine.
Molecular consequence: missense variant.
Genome position (GRCh38, 1-based): chr2:6,865,672, G>T on the plus strand (C>A on the coding strand, the complement: CMPK2 is on the minus strand). VCF-style: chr2-6865672-G-T. GRCh37 (hg19) VCF-style: chr2-7005803-G-T.
Other names: c.25C>A, p.Arg9Ser (NM_001256477.1, NM_001256478.1); short protein forms R9S.
Identifiers: ClinVar variation 2629319 (VCV002629319.1), dbSNP rs1445484537, ClinGen allele CA345758598.

ClinVar aggregate classification (germline): Uncertain significance (1 of 4 stars; one submission).

Conditions:
CMPK2-related disorder. Also called: CMPK2-related condition.

gnomAD v4.1: 54 of 1,305,362 alleles (0.0041%); highest among the groups gnomAD compares: Non-Finnish European, 0.0048%; no homozygotes.

Submission:

PreventionGenetics, part of Exact Sciences
Classification: Uncertain significance for CMPK2-related condition. Last evaluated: 2022-12-01. Review status: criteria provided, single submitter. Criteria: ACMG Guidelines, 2015. Collection method: clinical testing. Allele origin: germline.
Comment: The CMPK2 c.25C>A variant is predicted to result in the amino acid substitution p.Arg9Ser. To our knowledge, this variant has not been reported in the literature or in a large population database, indicating this variant is rare. At this time, the clinical significance of this variant is uncertain due to the absence of conclusive functional and genetic evidence.